The following is an entry in ClinVar:

ClinVar aggregate classification (germline): Uncertain significance. Review status: criteria provided, multiple submitters, no conflicts (2 of 4 stars). 3 submissions from 3 submitters: Uncertain significance (3). Last evaluated 2025-08-11.

Conditions:
Hereditary cancer-predisposing syndrome. Also called: Tumor predisposition; Neoplastic Syndromes, Hereditary; Hereditary Cancer Syndrome; Hereditary neoplastic syndrome. Identifiers: Orphanet 140162, MedGen C0027672, MeSH D009386, MONDO:0015356.

Submissions (3):

Labcorp Genetics (formerly Invitae), Labcorp
Classification: Uncertain significance. Last evaluated: 2025-08-11. Review status: criteria provided, single submitter. Criteria: Invitae Variant Classification Sherloc (09022015). Collection method: clinical testing. Allele origin: germline.
Comment: This sequence change replaces isoleucine, which is neutral and non-polar, with threonine, which is neutral and polar, at codon 515 of the POLE protein (p.Ile515Thr). This variant is not present in population databases (gnomAD no frequency). This variant has not been reported in the literature in individuals affected with POLE-related conditions. ClinVar contains an entry for this variant (Variation ID: 1308325). Invitae Evidence Modeling of protein sequence and biophysical properties (such as structural, functional, and spatial information, amino acid conservation, physicochemical variation, residue mobility, and thermodynamic stability) indicates that this missense variant is expected to disrupt POLE protein function with a positive predictive value of 80%. In summary, the available evidence is currently insufficient to determine the role of this variant in disease. Therefore, it has been classified as a Variant of Uncertain Significance.

Ambry Genetics
Classification: Uncertain significance for Hereditary cancer-predisposing syndrome. Last evaluated: 2024-01-11. Review status: criteria provided, single submitter. Criteria: Ambry Variant Classification Scheme 2023. Collection method: clinical testing. Allele origin: germline.
Comment: The p.I515T variant (also known as c.1544T>C), located in coding exon 15 of the POLE gene, results from a T to C substitution at nucleotide position 1544. The isoleucine at codon 515 is replaced by threonine, an amino acid with similar properties. This amino acid position is conserved. In addition, this alteration is predicted to be tolerated by in silico analysis. Since supporting evidence is limited at this time, the clinical significance of this alteration remains unclear.

GeneDx
Classification: Uncertain significance. Last evaluated: 2019-03-19. Review status: criteria provided, single submitter. Criteria: GeneDx Variant Classification Process June 2021. Collection method: clinical testing. Allele origin: germline. Affected: yes.
Comment: Not observed in large population cohorts (Lek 2016); In silico analysis supports that this missense variant has a deleterious effect on protein structure/function; Has not been previously published as pathogenic or benign to our knowledge

NM_006231.4(POLE):c.1544T>C (p.Ile515Thr)

Gene: POLE (DNA polymerase epsilon, catalytic subunit; minus strand). Cytogenetic location: 12q24.33.
Variant type: single nucleotide variant.
Coding change: c.1544T>C on transcript NM_006231.4 (MANE Select); coding-DNA position 1544, T replaced by C.
Protein change: p.Ile515Thr; replaces isoleucine 515 with threonine.
Molecular consequence: missense variant.
Genome position (GRCh38, 1-based): chr12:132,672,769, A>G on the plus strand (T>C on the coding strand, the complement: POLE is on the minus strand). VCF-style: chr12-132672769-A-G. GRCh37 (hg19) VCF-style: chr12-133249355-A-G.
Other names: short protein forms I515T.
Identifiers: ClinVar variation 1308325 (VCV001308325.5), dbSNP rs2135993840, ClinGen allele CA387357227.